The following is an entry in ClinVar:

NM_001174147.2(LMX1B):c.726G>C (p.Ser242=)

Gene: LMX1B (LIM homeobox transcription factor 1 beta; plus strand). Cytogenetic location: 9q33.3.
Variant type: single nucleotide variant.
Coding change: c.726G>C on transcript NM_001174147.2 (MANE Select); coding-DNA position 726, G replaced by C.
Protein change: p.Ser242=; no amino-acid change (serine 242 retained).
Molecular consequence: synonymous variant.
Genome position (GRCh38, 1-based): chr9:126,693,308, G>C. VCF-style: chr9-126693308-G-C. GRCh37 (hg19) VCF-style: chr9-129455587-G-C.
Other names: p.Ser242=; c.726G>C, p.Ser242= (NM_001174146.2, NM_002316.4).
Identifiers: ClinVar variation 258629 (VCV000258629.28), dbSNP rs13295990, ClinGen allele CA5242392.

ClinVar aggregate classification (germline): Benign. Review status: criteria provided, multiple submitters, no conflicts (2 of 4 stars). 13 submissions from 12 submitters: Benign (11). 2 of the submissions do not count toward it. Last evaluated 2026-02-04.

Conditions:
Nail-patella-like renal disease. Also called: GLOMERULAR BASEMENT MEMBRANE DISEASE, NAIL-PATELLA SYNDROME TYPE; Focal Segmental Glomerulosclerosis 10. Identifiers: Orphanet 2613, MedGen C0403548, MONDO:0009724, OMIM 256020.
Nail-patella syndrome (NPS). Also called: FONG DISEASE; ONYCHOOSTEODYSPLASIA; TURNER-KIESER SYNDROME. Identifiers: Orphanet 2614, MedGen C0027341, MONDO:0008061, OMIM 161200.

Allele frequency attached by ClinVar (database versions not stated): gnomAD 0.41484; ESP Exome Variant Server 0.41759; TOPMed 0.42103; 1000 Genomes Project 30x 0.43457; 1000 Genomes Project 0.43930; ExAC 0.47019.
gnomAD v4.1: 676,545 of 1,599,944 alleles (42%); highest among the groups gnomAD compares: East Asian, 53%; 144,190 homozygotes.

Submissions (13):

Labcorp Genetics (formerly Invitae), Labcorp
Classification: Benign. Last evaluated: 2026-02-04. Review status: criteria provided, single submitter. Criteria: Invitae Variant Classification Sherloc (09022015). Collection method: clinical testing. Allele origin: germline.

Blueprint Genetics
Classification: Benign. Last evaluated: 2024-11-27. Review status: criteria provided, single submitter. Criteria: ACMG Guidelines, 2015. Collection method: clinical testing. Allele origin: germline.

Unidad de Genómica Garrahan, Hospital de Pediatría Garrahan
Classification: Benign. Last evaluated: 2024-07-15. Review status: criteria provided, single submitter. Criteria: ACMG Guidelines, 2015. Collection method: clinical testing. Allele origin: germline. Affected: no. Observed: 55 variant alleles.
Comment: This variant is classified as Benign based on local population frequency. This variant was detected in 59% of patients studied in a panel designed for Epileptic and Developmental Encephalopathy and Progressive Myoclonus Epilepsy. Number of patients: 55. Only high quality variants are reported.

Mayo Clinic Laboratories, Mayo Clinic
Classification: Benign. Last evaluated: 2022-03-09. Review status: criteria provided, single submitter. Criteria: ACMG Guidelines, 2015. Collection method: clinical testing. Allele origin: germline. Observed: 92 variant alleles.

Genome-Nilou Lab
Classification: Benign for Nail-patella-like renal disease. Last evaluated: 2021-08-19. Review status: criteria provided, single submitter. Criteria: ACMG Guidelines, 2015. Collection method: clinical testing. Allele origin: germline. Affected: no.

Genome-Nilou Lab
Classification: Benign for Nail-patella syndrome. Last evaluated: 2021-08-19. Review status: criteria provided, single submitter. Criteria: ACMG Guidelines, 2015. Collection method: clinical testing. Allele origin: germline. Affected: no.

GeneDx
Classification: Benign. Last evaluated: 2018-05-01. Review status: criteria provided, single submitter. Criteria: GeneDx Variant Classification (06012015). Collection method: clinical testing. Allele origin: germline. Affected: yes.
Comment: This variant is considered likely benign or benign based on one or more of the following criteria: it is a conservative change, it occurs at a poorly conserved position in the protein, it is predicted to be benign by multiple in silico algorithms, and/or has population frequency not consistent with disease.

Illumina Laboratory Services, Illumina
Classification: Benign for Nail-patella syndrome. Last evaluated: 2018-01-12. Review status: criteria provided, single submitter. Criteria: ICSL Variant Classification Criteria 13 December 2019. Collection method: clinical testing. Allele origin: germline.
Comment: This variant was observed in the ICSL laboratory as part of a predisposition screen in an ostensibly healthy population. It had not been previously curated by ICSL or reported in the Human Gene Mutation Database (HGMD: prior to June 1st, 2018), and was therefore a candidate for classification through an automated scoring system. Utilizing variant allele frequency, disease prevalence and penetrance estimates, and inheritance mode, an automated score was calculated to assess if this variant is too frequent to cause the disease. Based on the score and internal cut-off values, a variant classified as benign is not then subjected to further curation. The score for this variant resulted in a classification of benign for this disease.

Eurofins Ntd Llc (ga)
Classification: Benign. Last evaluated: 2016-09-02. Review status: criteria provided, single submitter. Criteria: EGL Classification Definitions 2015. Collection method: clinical testing. Allele origin: germline. Observed: 3 variant alleles, 3 heterozygotes.

Breakthrough Genomics
Classification: Benign. Review status: criteria provided, single submitter. Criteria: ACMG Guidelines, 2015. Collection method: not provided. Allele origin: germline. Inheritance: Autosomal dominant inheritance. Affected: yes.

PreventionGenetics, part of Exact Sciences
Classification: Benign. Review status: criteria provided, single submitter. Criteria: ACMG Guidelines, 2015. Collection method: clinical testing. Allele origin: germline.

Genome Diagnostics Laboratory, University Medical Center Utrecht
Classification: Benign. Review status: no assertion criteria provided. Collection method: clinical testing. Allele origin: germline. Affected: yes. Study: VKGL Data-share Consensus. Not counted in ClinVar's aggregate classification.

Joint Genome Diagnostic Labs from Nijmegen and Maastricht, Radboudumc and MUMC+
Classification: Benign. Review status: no assertion criteria provided. Collection method: clinical testing. Allele origin: germline. Affected: yes. Study: VKGL Data-share Consensus. Not counted in ClinVar's aggregate classification.